The following is an entry in ClinVar:

ClinVar aggregate classification (germline): Conflicting classifications of pathogenicity. Review status: criteria provided, conflicting classifications (1 of 4 stars). 2 submissions from 2 submitters: Uncertain significance (1); Likely benign (1). Last evaluated 2022-11-10.

Conditions:
Eichsfeld type congenital muscular dystrophy (CMYO3). Also called: MYOPATHY, SEPN1-RELATED; SELENON-related myopathy; Congenital myopathy 3 with rigid spine; Rigid spine muscular dystrophy 1. Identifiers: MedGen C0410180, MONDO:0100100, OMIM 602771.

Allele frequency attached by ClinVar (database versions not stated): gnomAD 0.00008 and 0.00007; TOPMed 0.00009.

Submissions (2):

GeneDx
Classification: Uncertain significance. Last evaluated: 2022-11-10. Review status: criteria provided, single submitter. Criteria: GeneDx Variant Classification Process June 2021. Collection method: clinical testing. Allele origin: germline. Affected: yes.
Comment: Not observed at significant frequency in large population cohorts (gnomAD); In silico analysis supports that this variant does not alter splicing; Has not been previously published as pathogenic or benign to our knowledge

Labcorp Genetics (formerly Invitae), Labcorp
Classification: Likely benign for Eichsfeld type congenital muscular dystrophy. Last evaluated: 2022-08-15. Review status: criteria provided, single submitter. Criteria: Invitae Variant Classification Sherloc (09022015). Collection method: clinical testing. Allele origin: germline.

NM_206926.2(SELENON):c.301+956G>A

Gene: SELENON (selenoprotein N; plus strand). Cytogenetic location: 1p36.11.
Variant type: single nucleotide variant.
Coding change: c.301+956G>A on transcript NM_206926.2 (MANE Select); 956 bases into the intron after coding-DNA position 301, G replaced by A.
Molecular consequence: intron variant. On other transcripts: synonymous variant (1).
Genome position (GRCh38, 1-based): chr1:25,802,116, G>A. VCF-style: chr1-25802116-G-A. GRCh37 (hg19) VCF-style: chr1-26128607-G-A.
Other names: c.402G>A, p.Leu134= (NM_020451.3).
Identifiers: ClinVar variation 1510088 (VCV001510088.9), dbSNP rs759256016, ClinGen allele CA696479.